The following is an entry in ClinVar:

ClinVar aggregate classification (germline): Pathogenic (1 of 4 stars; one submission).

Submission:

GeneDx
Classification: Pathogenic. Last evaluated: 2023-08-21. Review status: criteria provided, single submitter. Criteria: GeneDx Variant Classification Process June 2021. Collection method: clinical testing. Allele origin: germline. Affected: yes.
Comment: Occurs in the triple helical domain and replaces a glycine in a canonical Gly-X-Y repeat; missense substitution of a canonical glycine residue is expected to disrupt normal protein folding and function, and this is an established mechanism of disease (Jovanovic et al., 2021); Not observed at significant frequency in large population cohorts (gnomAD); In silico analysis supports that this missense variant has a deleterious effect on protein structure/function; Identified in unpublished data in a patient with osteogenesis imperfecta type II (Marini et al., 2007) Marini JC et al. (2007) Hum Mutat 28 (3):209-21 (PMID: 17078022); This variant is associated with the following publications: (PMID: 34007986, 17078022)

NM_000088.4(COL1A1):c.1913G>T (p.Gly638Val)

Gene: COL1A1 (collagen type I alpha 1 chain; minus strand). Cytogenetic location: 17q21.33.
Variant type: single nucleotide variant.
Coding change: c.1913G>T on transcript NM_000088.4 (MANE Select); coding-DNA position 1913, G replaced by T.
Protein change: p.Gly638Val; replaces glycine 638 with valine.
Molecular consequence: missense variant.
Genome position (GRCh38, 1-based): chr17:50,192,656, C>A on the plus strand (G>T on the coding strand, the complement: COL1A1 is on the minus strand). VCF-style: chr17-50192656-C-A. GRCh37 (hg19) VCF-style: chr17-48270017-C-A.
Other names: short protein forms G638V.
Identifiers: ClinVar variation 3338859 (VCV003338859.1).